The following is an entry in ClinVar:

ClinVar aggregate classification (germline): Uncertain significance (1 of 4 stars; one submission).

Submission:

GeneDx
Classification: Uncertain significance. Last evaluated: 2024-10-24. Review status: criteria provided, single submitter. Criteria: GeneDx Variant Classification Process June 2021. Collection method: clinical testing. Allele origin: germline. Affected: yes.
Comment: Not observed at significant frequency in large population cohorts (gnomAD); In silico analysis supports that this missense variant has a deleterious effect on protein structure/function; Has not been previously published as pathogenic or benign to our knowledge

NM_014633.5(CTR9):c.58G>A (p.Asp20Asn)

Gene: CTR9 (CTR9 homolog, Paf1/RNA polymerase II complex component; plus strand). Cytogenetic location: 11p15.4.
Variant type: single nucleotide variant.
Coding change: c.58G>A on transcript NM_014633.5 (MANE Select); coding-DNA position 58, G replaced by A.
Protein change: p.Asp20Asn; replaces aspartic acid 20 with asparagine.
Molecular consequence: missense variant.
Genome position (GRCh38, 1-based): chr11:10,752,684, G>A. VCF-style: chr11-10752684-G-A. GRCh37 (hg19) VCF-style: chr11-10774231-G-A.
Other names: c.58G>A, p.Asp20Asn (NM_001346279.2); short protein forms D20N.
Identifiers: ClinVar variation 3893522 (VCV003893522.1).
Genomic context (GRCh38, chr11:10,752,684, plus strand): 5'-TGAATTTTAAAGTGGAATAAGAGTTAAGACCTACCTTTTGTATTTTAGGTCATTGAACTT[G>A]ACTTCGATCAGTTACCGGAGGGAGATGAAGTTATCAGTATTCTGAAACAGGAACACACAC-3'
Protein context (NP_055448.1, residues 10-30): LRDTDEVIEL[Asp20Asn]FDQLPEGDEV